The following is an entry in ClinVar:

NM_020919.4(ALS2):c.4528C>T (p.Arg1510Ter)

Gene: ALS2 (alsin Rho guanine nucleotide exchange factor ALS2; minus strand). Cytogenetic location: 2q33.1.
Variant type: single nucleotide variant.
Coding change: c.4528C>T on transcript NM_020919.4 (MANE Select); coding-DNA position 4528, C replaced by T.
Protein change: p.Arg1510Ter; replaces arginine 1510 with a stop codon.
Molecular consequence: nonsense.
Genome position (GRCh38, 1-based): chr2:201,706,898, G>A on the plus strand (C>T on the coding strand, the complement: ALS2 is on the minus strand). VCF-style: chr2-201706898-G-A. GRCh37 (hg19) VCF-style: chr2-202571621-G-A.
Other names: short protein forms R1510*.
Identifiers: ClinVar variation 1446510 (VCV001446510.7), dbSNP rs1391892163, ClinGen allele CA350322014.

ClinVar aggregate classification (germline): Pathogenic/Likely pathogenic. Review status: criteria provided, multiple submitters, no conflicts (2 of 4 stars). 2 submissions from 2 submitters: Pathogenic (1); Likely pathogenic (1). Last evaluated 2024-03-11.

Conditions:
ALS2-related disorder. Also called: ALS2-Related Spectrum Disorders; ALS2-related disorders; ALS2-related condition. Identifiers: MedGen CN169291.
Infantile-onset ascending hereditary spastic paralysis (IAHSP). Also called: Infantile-Onset Ascending Hereditary Spastic Paralysis (IAHSP); Autosomal Recessive Juvenile Amyotrophic Lateral Sclerosis. Identifiers: Orphanet 293168, MedGen C2931441, MONDO:0011797, OMIM 607225. Disease mechanism: loss of function.

Allele frequency attached by ClinVar (database versions not stated): gnomAD exomes below 0.00001.
gnomAD v4.1: 6 of 1,613,972 alleles (0.00037%); highest among the groups gnomAD compares: Non-Finnish European, 0.00051%; no homozygotes.

Submissions (2):

Labcorp Genetics (formerly Invitae), Labcorp
Classification: Pathogenic for Infantile-onset ascending hereditary spastic paralysis. Last evaluated: 2024-03-11. Review status: criteria provided, single submitter. Criteria: Invitae Variant Classification Sherloc (09022015). Collection method: clinical testing. Allele origin: germline.
Comment: This sequence change creates a premature translational stop signal (p.Arg1510*) in the ALS2 gene. It is expected to result in an absent or disrupted protein product. Loss-of-function variants in ALS2 are known to be pathogenic (PMID: 11586298, 24315819). This variant is present in population databases (no rsID available, gnomAD 0.0009%). This variant has not been reported in the literature in individuals affected with ALS2-related conditions. ClinVar contains an entry for this variant (Variation ID: 1446510). For these reasons, this variant has been classified as Pathogenic.

Blueprint Genetics
Classification: Likely pathogenic for ALS2-related disorders. Last evaluated: 2022-10-04. Review status: criteria provided, single submitter. Criteria: ACMG Guidelines, 2015. Collection method: clinical testing. Allele origin: germline. Affected: yes. Observed: 1 variant allele.

Literature cited by the submitters: PubMed 11586298 (cited by Labcorp Genetics (formerly Invitae), Labcorp); PubMed 24315819 (cited by Labcorp Genetics (formerly Invitae), Labcorp).